The following is an entry in ClinVar:

NM_015272.5(RPGRIP1L):c.3232A>C (p.Met1078Leu)

Gene: RPGRIP1L (RPGRIP1 like; minus strand). Cytogenetic location: 16q12.2.
Variant type: single nucleotide variant.
Coding change: c.3232A>C on transcript NM_015272.5 (MANE Select); coding-DNA position 3232, A replaced by C.
Protein change: p.Met1078Leu; replaces methionine 1078 with leucine.
Molecular consequence: missense variant.
Genome position (GRCh38, 1-based): chr16:53,636,501, T>G on the plus strand (A>C on the coding strand, the complement: RPGRIP1L is on the minus strand). VCF-style: chr16-53636501-T-G. GRCh37 (hg19) VCF-style: chr16-53670413-T-G.
Other names: c.3130A>C, p.Met1044Leu (NM_001127897.4, NM_001330538.2); c.3232A>C, p.Met1078Leu (NM_001308334.3); short protein forms M1044L, M1078L.
Identifiers: ClinVar variation 958526 (VCV000958526.9), dbSNP rs1965842435, ClinGen allele CA395925836.

ClinVar aggregate classification (germline): Uncertain significance (1 of 4 stars; one submission).

Conditions:
Meckel-Gruber syndrome. Also called: Dysencephalia splachnocystica; DYSENCEPHALIA SPLANCHNOCYSTICA; GRUBER SYNDROME. Identifiers: Orphanet 564, MedGen C0265215, MONDO:0018921.
Joubert syndrome. Also called: Familial aplasia of the vermis; CEREBELLOPARENCHYMAL DISORDER IV; JOUBERT-BOLTSHAUSER SYNDROME. Identifiers: Orphanet 475, MedGen C5979921, MONDO:0018772.

Submission:

Labcorp Genetics (formerly Invitae), Labcorp
Classification: Uncertain significance for Joubert syndrome; Meckel-Gruber syndrome. Last evaluated: 2025-03-17. Review status: criteria provided, single submitter. Criteria: Invitae Variant Classification Sherloc (09022015). Collection method: clinical testing. Allele origin: germline.
Comment: This sequence change replaces methionine, which is neutral and non-polar, with leucine, which is neutral and non-polar, at codon 1078 of the RPGRIP1L protein (p.Met1078Leu). This variant is not present in population databases (gnomAD no frequency). This variant has not been reported in the literature in individuals affected with RPGRIP1L-related conditions. ClinVar contains an entry for this variant (Variation ID: 958526). Invitae Evidence Modeling of protein sequence and biophysical properties (such as structural, functional, and spatial information, amino acid conservation, physicochemical variation, residue mobility, and thermodynamic stability) indicates that this missense variant is not expected to disrupt RPGRIP1L protein function with a negative predictive value of 80%. In summary, the available evidence is currently insufficient to determine the role of this variant in disease. Therefore, it has been classified as a Variant of Uncertain Significance.